The following is an entry in ClinVar:

ClinVar aggregate classification (germline): Uncertain significance (1 of 4 stars; one submission).

Allele frequency attached by ClinVar (database versions not stated): TOPMed below 0.00001; gnomAD 0.00001; gnomAD exomes 0.00001.
gnomAD v4.1: 12 of 1,614,026 alleles (0.00074%); highest among the groups gnomAD compares: African/African-American, 0.0013%; no homozygotes.

Submission:

Labcorp Genetics (formerly Invitae), Labcorp
Classification: Uncertain significance. Last evaluated: 2022-04-12. Review status: criteria provided, single submitter. Criteria: Invitae Variant Classification Sherloc (09022015). Collection method: clinical testing. Allele origin: germline.
Comment: In summary, the available evidence is currently insufficient to determine the role of this variant in disease. Therefore, it has been classified as a Variant of Uncertain Significance. Algorithms developed to predict the effect of missense changes on protein structure and function output the following: SIFT: "Tolerated"; PolyPhen-2: "Benign"; Align-GVGD: "Class C0". The alanine amino acid residue is found in multiple mammalian species, which suggests that this missense change does not adversely affect protein function. This variant has not been reported in the literature in individuals affected with ADCY1-related conditions. This variant is present in population databases (no rsID available, gnomAD 0.003%). This sequence change replaces threonine, which is neutral and polar, with alanine, which is neutral and non-polar, at codon 554 of the ADCY1 protein (p.Thr554Ala).

NM_021116.4(ADCY1):c.1660A>G (p.Thr554Ala)

Gene: ADCY1 (adenylate cyclase 1; plus strand). Cytogenetic location: 7p12.3.
Variant type: single nucleotide variant.
Coding change: c.1660A>G on transcript NM_021116.4 (MANE Select); coding-DNA position 1660, A replaced by G.
Protein change: p.Thr554Ala; replaces threonine 554 with alanine.
Molecular consequence: missense variant.
Genome position (GRCh38, 1-based): chr7:45,677,923, A>G. VCF-style: chr7-45677923-A-G. GRCh37 (hg19) VCF-style: chr7-45717522-A-G.
Other names: short protein forms T554A.
Identifiers: ClinVar variation 2414941 (VCV002414941.6), dbSNP rs1336408449, ClinGen allele CA367436330.